The following is an entry in ClinVar:

NM_000443.4(ABCB4):c.3487-1G>T

Gene: ABCB4 (ATP binding cassette subfamily B member 4; minus strand). Cytogenetic location: 7q21.12.
Variant type: single nucleotide variant.
Coding change: c.3487-1G>T on transcript NM_000443.4 (MANE Select); the canonical splice acceptor site of the intron before coding-DNA position 3487, G replaced by T.
Molecular consequence: splice acceptor variant.
Genome position (GRCh38, 1-based): chr7:87,403,282, C>A on the plus strand (G>T on the coding strand, the complement: ABCB4 is on the minus strand). VCF-style: chr7-87403282-C-A. GRCh37 (hg19) VCF-style: chr7-87032598-C-A.
Other names: c.3346-1G>T (NM_018850.3); c.3508-1G>T (NM_018849.3).
Identifiers: ClinVar variation 4846370 (VCV004846370.1).

ClinVar aggregate classification (germline): Uncertain significance (1 of 4 stars; one submission).

Conditions:
Familial intrahepatic cholestasis. Identifiers: Orphanet 284385, MedGen CN296401, MONDO:0017290.
Low phospholipid associated cholelithiasis (GBD1). Also called: Gallbladder disease 1; Gallstone cholecystitis. Identifiers: Orphanet 69663, MedGen C2609268, MONDO:0010939, OMIM 600803.

Submission:

Genomenon, Inc
Classification: Uncertain significance for Familial intrahepatic cholestasis; Low phospholipid associated cholelithiasis. Last evaluated: 2026-04-14. Review status: criteria provided, single submitter. Criteria: Genomenon Sequence Variant Interpretation Standards - Updated. Collection method: curation. Allele origin: germline. Affected: no.
Comment: ABCB4 c.3487-1G>T is a canonical splice variant affecting the acceptor splice site of intron 26. It is predicted to affect mRNA splicing, leading to a deleterious effect on the ABCB4 protein. This variant has been reported in the published literature (PMID:38374565). It is absent or not present at a significant frequency in gnomAD. In conclusion, we classify ABCB4 c.3487-1G>T as a variant of uncertain significance.

Literature cited by the submitters: PubMed 38374565.